The following is an entry in ClinVar:

NM_001164277.2(SLC37A4):c.355C>T (p.Pro119Ser)

Gene: SLC37A4 (solute carrier family 37 member 4; minus strand). Cytogenetic location: 11q23.3.
Variant type: single nucleotide variant.
Coding change: c.355C>T on transcript NM_001164277.2 (MANE Select); coding-DNA position 355, C replaced by T.
Protein change: p.Pro119Ser; replaces proline 119 with serine.
Molecular consequence: missense variant.
Genome position (GRCh38, 1-based): chr11:119,028,220, G>A on the plus strand (C>T on the coding strand, the complement: SLC37A4 is on the minus strand). VCF-style: chr11-119028220-G-A. GRCh37 (hg19) VCF-style: chr11-118898930-G-A.
Other names: c.355C>T, p.Pro119Ser (NM_001164278.2, NM_001164280.2, NM_001467.6); c.136C>T, p.Pro46Ser (NM_001164279.2); short protein forms P119S, P46S.
Identifiers: ClinVar variation 843543 (VCV000843543.9), dbSNP rs1158229491, ClinGen allele CA382904582.

ClinVar aggregate classification (germline): Uncertain significance. Review status: criteria provided, multiple submitters, no conflicts (2 of 4 stars). 2 submissions from 2 submitters: Uncertain significance (2). Last evaluated 2026-06-24.

Conditions:
Glucose-6-phosphate transport defect (GSD1B). Also called: Glycogen Storage Disease Type Ib; GSD Ib. Identifiers: Orphanet 364, Orphanet 79259, MedGen C0268146, MONDO:0009288, OMIM 232220.
Glycogen storage disease, type I. Identifiers: Orphanet 364, MedGen C0017920, MONDO:0002413.

Allele frequency attached by ClinVar (database versions not stated): gnomAD exomes below 0.00001.

Submissions (2):

Myriad Genetics, Inc.
Classification: Uncertain significance for Glycogen storage disease, type I. Last evaluated: 2026-06-24. Review status: criteria provided, single submitter. Criteria: Myriad Autosomal Dominant, Autosomal Recessive and X-Linked Classification Criteria (2023). Collection method: clinical testing. Allele origin: unknown.
Comment: NM_001164277.1(SLC37A4):c.355C>T(P119S) is a missense variant classified as a variant of uncertain significance in the context of glycogen storage disease type Ib. P119S has not been observed in cases with relevant disease. Relevant functional assessments of this variant are not available in the literature. P119S has been observed in referenced population frequency databases. In summary, there is insufficient evidence to classify NM_001164277.1(SLC37A4):c.355C>T(P119S) as pathogenic or benign. Please note: this variant was assessed in the context of healthy population screening.

Labcorp Genetics (formerly Invitae), Labcorp
Classification: Uncertain significance for Glucose-6-phosphate transport defect. Last evaluated: 2019-02-08. Review status: criteria provided, single submitter. Criteria: Invitae Variant Classification Sherloc (09022015). Collection method: clinical testing. Allele origin: germline.
Comment: This sequence change replaces proline with serine at codon 119 of the SLC37A4 protein (p.Pro119Ser). The proline residue is highly conserved and there is a moderate physicochemical difference between proline and serine. This variant is not present in population databases (ExAC no frequency). This variant has not been reported in the literature in individuals with SLC37A4-related conditions. Algorithms developed to predict the effect of missense changes on protein structure and function are either unavailable or do not agree on the potential impact of this missense change (SIFT: "Deleterious"; PolyPhen-2: "Probably Damaging"; Align-GVGD: "Class C0"). In summary, the available evidence is currently insufficient to determine the role of this variant in disease. Therefore, it has been classified as a Variant of Uncertain Significance.